The following is an entry in ClinVar:

ClinVar aggregate classification (germline): Uncertain significance (1 of 4 stars; one submission).

Conditions:
Insulin-dependent diabetes mellitus secretory diarrhea syndrome (IPEX). Also called: IPEX and IPEX-Like; Immunodeficiency, Polyendocrinopathy, and Enteropathy X-Linked Syndrome; X-Linked Syndrome of Polyendocrinopathy, Immune Dysfunction, and Diarrhea; Immune dysregulation-polyendocrinopathy-enteropathy-X-linked syndrome; IMMUNODEFICIENCY, POLYENDOCRINOPATHY, AND ENTEROPATHY, X-LINKED; Immunodysregulation, polyendocrinopathy, and enteropathy, X-linked. Identifiers: Orphanet 37042, MedGen C0342288, MONDO:0010580, OMIM 304790. Disease mechanism: loss of function.

Submission:

Labcorp Genetics (formerly Invitae), Labcorp
Classification: Uncertain significance for Insulin-dependent diabetes mellitus secretory diarrhea syndrome. Last evaluated: 2020-04-17. Review status: criteria provided, single submitter. Criteria: Invitae Variant Classification Sherloc (09022015). Collection method: clinical testing. Allele origin: germline.
Comment: This variant has not been reported in the literature in individuals with FOXP3-related conditions. This variant is not present in population databases (ExAC no frequency). This sequence change replaces proline with arginine at codon 427 of the FOXP3 protein (p.Pro427Arg). The proline residue is weakly conserved and there is a moderate physicochemical difference between proline and arginine. Algorithms developed to predict the effect of missense changes on protein structure and function are either unavailable or do not agree on the potential impact of this missense change (SIFT: "Tolerated"; PolyPhen-2: "Possibly Damaging"; Align-GVGD: "Class C0"). In summary, the available evidence is currently insufficient to determine the role of this variant in disease. Therefore, it has been classified as a Variant of Uncertain Significance.

NM_014009.4(FOXP3):c.1280C>G (p.Pro427Arg)

Gene: FOXP3 (forkhead box P3; minus strand). Cytogenetic location: Xp11.23.
Variant type: single nucleotide variant.
Coding change: c.1280C>G on transcript NM_014009.4 (MANE Select); coding-DNA position 1280, C replaced by G.
Protein change: p.Pro427Arg; replaces proline 427 with arginine.
Molecular consequence: missense variant.
Genome position (GRCh38, 1-based): chrX:49,251,350, G>C on the plus strand (C>G on the coding strand, the complement: FOXP3 is on the minus strand). VCF-style: chrX-49251350-G-C. GRCh37 (hg19) VCF-style: chrX-49107811-G-C.
Other names: c.1175C>G, p.Pro392Arg (NM_001114377.2); short protein forms P427R, P392R.
Identifiers: ClinVar variation 953814 (VCV000953814.9), dbSNP rs2066029479, ClinGen allele CA412947007.